The following is an entry in ClinVar:

ClinVar aggregate classification (germline): Uncertain significance. Review status: criteria provided, multiple submitters, no conflicts (2 of 4 stars). 2 submissions from 2 submitters: Uncertain significance (2). Last evaluated 2025-06-12.

Allele frequency attached by ClinVar (database versions not stated): gnomAD 0.00017; TOPMed 0.00022; ExAC 0.00012.
gnomAD v4.1: 216 of 1,509,068 alleles (0.014%); highest among the groups gnomAD compares: Middle Eastern, 0.14%; no homozygotes.

Submissions (2):

Labcorp Genetics (formerly Invitae), Labcorp
Classification: Uncertain significance. Last evaluated: 2025-06-12. Review status: criteria provided, single submitter. Criteria: Invitae Variant Classification Sherloc (09022015). Collection method: clinical testing. Allele origin: germline.
Comment: This sequence change replaces isoleucine, which is neutral and non-polar, with leucine, which is neutral and non-polar, at codon 365 of the LIPI protein (p.Ile365Leu). This variant is present in population databases (rs202154453, gnomAD 0.06%), and has an allele count higher than expected for a pathogenic variant. This variant has not been reported in the literature in individuals affected with LIPI-related conditions. ClinVar contains an entry for this variant (Variation ID: 2724562). An algorithm developed to predict the effect of missense changes on protein structure and function outputs the following: PolyPhen-2: "Benign". The leucine amino acid residue is found in multiple mammalian species, which suggests that this missense change does not adversely affect protein function. In summary, the available evidence is currently insufficient to determine the role of this variant in disease. Therefore, it has been classified as a Variant of Uncertain Significance.

Ambry Genetics
Classification: Uncertain significance. Last evaluated: 2024-01-08. Review status: criteria provided, single submitter. Criteria: Ambry Variant Classification Scheme 2023. Collection method: clinical testing. Allele origin: germline.

NM_001302998.2(LIPI):c.1030A>C (p.Ile344Leu)

Gene: LIPI (lipase I; minus strand). Cytogenetic location: 21q11.2.
Variant type: single nucleotide variant.
Coding change: c.1030A>C on transcript NM_001302998.2 (MANE Select); coding-DNA position 1030, A replaced by C.
Protein change: p.Ile344Leu; replaces isoleucine 344 with leucine.
Molecular consequence: missense variant. On other transcripts: intron variant (1).
Genome position (GRCh38, 1-based): chr21:14,152,661, T>G on the plus strand (A>C on the coding strand, the complement: LIPI is on the minus strand). VCF-style: chr21-14152661-T-G. GRCh37 (hg19) VCF-style: chr21-15524982-T-G.
Other names: c.940A>C, p.Ile314Leu (NM_001302999.2); c.1012A>C, p.Ile338Leu (NM_001303000.2); c.925A>C, p.Ile309Leu (NM_001379565.1); c.535A>C, p.Ile179Leu (NM_001379566.1); c.895A>C, p.Ile299Leu (NM_198996.4); c.1006+10758A>C (NM_001303001.2); c.1093A>C (NM_198996.2); short protein forms I338L, I299L, I344L, I314L, I179L, I309L.
Identifiers: ClinVar variation 2724562 (VCV002724562.4), dbSNP rs202154453, ClinGen allele CA9979424.